The following is an entry in ClinVar:

NM_001005242.3(PKP2):c.819G>T (p.Pro273=)

Gene: PKP2 (plakophilin 2; minus strand). Cytogenetic location: 12p11.21.
Variant type: single nucleotide variant.
Coding change: c.819G>T on transcript NM_001005242.3 (MANE Select); coding-DNA position 819, G replaced by T.
Protein change: p.Pro273=; no amino-acid change (proline 273 retained).
Molecular consequence: synonymous variant.
Genome position (GRCh38, 1-based): chr12:32,878,061, C>A on the plus strand (G>T on the coding strand, the complement: PKP2 is on the minus strand). VCF-style: chr12-32878061-C-A. GRCh37 (hg19) VCF-style: chr12-33030995-C-A.
Other names: c.819G>T, p.Pro273= (NM_004572.4).
Identifiers: ClinVar variation 919162 (VCV000919162.3), dbSNP rs3748279, ClinGen allele CA039016.

ClinVar aggregate classification (germline): Likely benign. Review status: criteria provided, multiple submitters, no conflicts (2 of 4 stars). 2 submissions from 2 submitters: Likely benign (2). Last evaluated 2023-05-04.

Conditions:
Arrhythmogenic right ventricular cardiomyopathy (ARVD). Also called: Arrhythmogenic cardiomyopathy; Cardiomyopathy, ARVC; Arrhythmogenic right ventricular dysplasia; Arrhythmogenic Right Ventricular Cardiomyopathy (ARVC). Identifiers: Orphanet 247, MedGen C0349788, MeSH D019571, MONDO:0016587. Disease mechanism: loss of function. Inheritance: Various modes of inheritance.
Cardiomyopathy (CMYO). Also called: Cardiomyopathies. Identifiers: Orphanet 167848, MedGen C0878544, MONDO:0004994, HP:0001638. Inheritance: Various modes of inheritance.

gnomAD v4.1: 4 of 1,613,946 alleles (0.00025%); highest among the groups gnomAD compares: South Asian, 0.0033%; no homozygotes.

Submissions (2):

All of Us Research Program, National Institutes of Health
Classification: Likely benign for Arrhythmogenic right ventricular cardiomyopathy. Last evaluated: 2023-05-04. Review status: criteria provided, single submitter. Criteria: ACMG Guidelines, 2015. Collection method: clinical testing. Allele origin: germline. Inheritance: Autosomal dominant inheritance. Observed: 1 variant allele, 1 heterozygote.
Comment: This study involves interpretation of variants in research participants for the purpose of population health screening. Participant phenotype was not available at the time of variant classification. Additional details can be found in publication PMID: 35346344, PMCID: PMC8962531

Color Diagnostics, LLC DBA Color Health
Classification: Likely benign for Cardiomyopathy. Last evaluated: 2018-12-01. Review status: criteria provided, single submitter. Criteria: ACMG Guidelines, 2015. Collection method: clinical testing. Allele origin: germline.